The following is an entry in ClinVar:

NM_000518.5(HBB):c.396_397del (p.Lys133fs)

Genes: HBB (hemoglobin subunit beta; minus strand), LOC107133510 (origin of replication at HBB; plus strand), LOC110006319 (beta-globin gene 3' regulatory region; plus strand). Cytogenetic location: 11p15.4.
Variant type: Deletion.
Coding change: c.396_397del on transcript NM_000518.5 (MANE Select); coding-DNA positions 396 to 397, 2 bases deleted (GA; older notation c.396_397delGA).
Protein change: p.Lys133fs; shifts the reading frame from lysine 133.
Molecular consequence: frameshift variant.
Genome position (GRCh38, 1-based): chr11:5,225,645-5,225,646, TC deleted on the plus strand (GA on the coding strand, the reverse complement: HBB is on the minus strand); deleting any 2 consecutive bases within chr11:5,225,645-5,225,647 gives the same sequence; the c. name uses the placement nearest the transcript's 3' end. VCF-style (leftmost placement, unchanged base first): chr11-5225644-TTC-T. GRCh37 (hg19) VCF-style: chr11-5246874-TTC-T.
Other names: short protein forms K133fs.
Identifiers: ClinVar variation 928758 (VCV000928758.2), dbSNP rs63750320, ClinGen allele CA217112393.
Genomic context (GRCh38, chr11:5,225,644, plus strand): 5'-GCAAGAAAGCGAGCTTAGTGATACTTGTGGGCCAGGGCATTAGCCACACCAGCCACCACT[TTC>T]TGATAGGCAGCCTGCACTGGTGGGGTGAATTCTTTGCCAAAGTGATGGGCCAGCACACAG-3'

ClinVar aggregate classification (germline): Likely pathogenic. Review status: criteria provided, multiple submitters, no conflicts (2 of 4 stars). 2 submissions from 2 submitters: Likely pathogenic (2). Last evaluated 2025-09-12.

Conditions:
Hemoglobinopathy. Also called: Haemoglobinopathies; Hemoglobin disorder. Identifiers: MedGen C0019045, MONDO:0044348.

Submissions (2):

Quest Diagnostics Nichols Institute San Juan Capistrano
Classification: Likely pathogenic. Last evaluated: 2025-09-12. Review status: criteria provided, single submitter. Criteria: Quest Diagnostics criteria. Collection method: clinical testing. Allele origin: unknown.
Comment: The HBB c.396_397del (p.Lys133Serfs*7) frameshift variant is predicted to create a premature stop codon in the last exon of the beta globin gene. Although it is not expected to trigger nonsense-mediated mRNA decay, this variant disrupts the HBB 3’-terminal region which encodes for the structurally important H-helix and a binding site for the allosteric effector 2,3-DPG (PMID: 29584765 (2018), 4811903 (1974)). This variant has been described in a heterozygous individual with mild microcytic hypochromic anemia (HbVar). Other truncating variants downstream have also been reported in individuals with beta-thalassemia (PMID: 28460555 (2017), 15977037 (2005)). This variant has not been reported in large, multi-ethnic general populations (Genome Aggregation Database). Based on the available information, this variant is classified as likely pathogenic.

Women's Health and Genetics/Laboratory Corporation of America, LabCorp
Classification: Likely pathogenic for Hemoglobinopathy. Last evaluated: 2019-09-11. Review status: criteria provided, single submitter. Criteria: LabCorp Variant Classification Summary - May 2015. Collection method: clinical testing. Allele origin: germline.
Comment: Variant summary: HBB c.396_397delGA (p.Lys133SerfsX7) results in a premature termination codon, predicted to cause a truncation of the encoded protein or absence of the protein due to nonsense mediated decay, which are commonly known mechanisms for disease. The variant was absent in 251350 control chromosomes. To our knowledge, no occurrence of c.396_397delGA in individuals affected with Hemoglobinopathy and no experimental evidence demonstrating its impact on protein function have been reported in the literature. The variant has been reported in several databases of hemoglobin variants, including Ithanet (ID 260) and HbVar (ID 2510). No clinical diagnostic laboratories have submitted clinical-significance assessments for this variant to ClinVar after 2014. Based on the evidence outlined above, the variant was classified as likely pathogenic.